The following is an entry in ClinVar:

ClinVar aggregate classification (germline): Conflicting classifications of pathogenicity. Review status: criteria provided, conflicting classifications (1 of 4 stars). 2 submissions from 2 submitters: Likely pathogenic (1); Uncertain significance (1). Last evaluated 2025-05-20.

Conditions:
Hereditary cancer-predisposing syndrome. Also called: Neoplastic Syndromes, Hereditary; Tumor predisposition; Hereditary neoplastic syndrome; Hereditary Cancer Syndrome. Identifiers: Orphanet 140162, MedGen C0027672, MeSH D009386, MONDO:0015356.

Allele frequency attached by ClinVar (database versions not stated): TOPMed below 0.00001; gnomAD 0.00001.
gnomAD v4.1: 1 of 1,590,452 alleles (0.000063%); highest among the groups gnomAD compares: Non-Finnish European, 0.000086%; no homozygotes.

Submissions (2):

Ambry Genetics
Classification: Uncertain significance for Hereditary cancer-predisposing syndrome. Last evaluated: 2025-05-20. Review status: criteria provided, single submitter. Criteria: Ambry Variant Classification Scheme 2023. Collection method: clinical testing. Allele origin: germline.
Comment: The c.1473+1G>A intronic variant results from a G to A substitution one nucleotide after coding exon 14 of the POLE gene. Alterations that disrupt the canonical splice site are expected to result in aberrant splicing. In silico splice site analysis predicts that this alteration will weaken the native splice donor site. A resulting transcript is predicted to be in-frame and is not expected to trigger nonsense-mediated mRNAdecay; although, direct evidence is unavailable. This nucleotide position is highly conserved in available vertebrate species. Based on the available evidence, the clinical significance of this variant remains unclear.

Labcorp Genetics (formerly Invitae), Labcorp
Classification: Likely pathogenic. Last evaluated: 2023-03-06. Review status: criteria provided, single submitter. Criteria: Invitae Variant Classification Sherloc (09022015). Collection method: clinical testing. Allele origin: germline.
Comment: This variant is not present in population databases (gnomAD no frequency). This sequence change affects a donor splice site in intron 14 of the POLE gene. It is expected to disrupt RNA splicing. Variants that disrupt the donor or acceptor splice site typically lead to a loss of protein function (PMID: 16199547), and loss-of-function variants in POLE are known to be pathogenic (PMID: 23230001, 25948378, 30503519). This variant has not been reported in the literature in individuals affected with POLE-related conditions. In summary, the currently available evidence indicates that the variant is pathogenic, but additional data are needed to prove that conclusively. Therefore, this variant has been classified as Likely Pathogenic. Algorithms developed to predict the effect of sequence changes on RNA splicing suggest that this variant may disrupt the consensus splice site.

Literature cited by the submitters: PubMed 16199547 (cited by Labcorp Genetics (formerly Invitae), Labcorp); PubMed 23230001 (cited by Labcorp Genetics (formerly Invitae), Labcorp); PubMed 25948378 (cited by Labcorp Genetics (formerly Invitae), Labcorp); PubMed 30503519 (cited by Labcorp Genetics (formerly Invitae), Labcorp).

NM_006231.4(POLE):c.1473+1G>A

Gene: POLE (DNA polymerase epsilon, catalytic subunit; minus strand). Cytogenetic location: 12q24.33.
Variant type: single nucleotide variant.
Coding change: c.1473+1G>A on transcript NM_006231.4 (MANE Select); the canonical splice donor site of the intron after coding-DNA position 1473, G replaced by A.
Molecular consequence: splice donor variant.
Genome position (GRCh38, 1-based): chr12:132,673,163, C>T on the plus strand (G>A on the coding strand, the complement: POLE is on the minus strand). VCF-style: chr12-132673163-C-T. GRCh37 (hg19) VCF-style: chr12-133249749-C-T.
Other names: c.1473+1G>A (NM_006231.2).
Identifiers: ClinVar variation 3016432 (VCV003016432.4), dbSNP rs1218693921, ClinGen allele CA387357994.